The following is an entry in ClinVar:

ClinVar aggregate classification (germline): Conflicting classifications of pathogenicity. Review status: criteria provided, conflicting classifications (1 of 4 stars). 2 submissions from 2 submitters: Likely pathogenic (1); Uncertain significance (1). Last evaluated 2023-12-29.

Conditions:
Autosomal recessive Alport syndrome (ATS2). Also called: COL4A4 Alport Syndrome and Thin Basement Membrane Nephropathy; ALPORT SYNDROME 2, AUTOSOMAL RECESSIVE; COL4A3-Related Nephropathy; Alport syndrome type 2. Identifiers: Orphanet 63, Orphanet 88919, MedGen C4746745, MONDO:0008762, OMIM 203780.
Hematuria, benign familial, 1 (BFH1). Also called: THIN MEMBRANE NEPHROPATHY. Identifiers: MedGen CN376803, MONDO:0007709, OMIM 141200.

Allele frequency attached by ClinVar (database versions not stated): TOPMed below 0.00001.

Submissions (2):

Fulgent Genetics
Classification: Likely pathogenic for Hematuria, benign familial, 1; Autosomal recessive Alport syndrome. Last evaluated: 2023-12-29. Review status: criteria provided, single submitter. Criteria: ACMG Guidelines, 2015. Collection method: clinical testing. Allele origin: germline.

Labcorp Genetics (formerly Invitae), Labcorp
Classification: Uncertain significance. Last evaluated: 2023-06-24. Review status: criteria provided, single submitter. Criteria: Invitae Variant Classification Sherloc (09022015). Collection method: clinical testing. Allele origin: germline.
Comment: In summary, the available evidence is currently insufficient to determine the role of this variant in disease. Therefore, it has been classified as a Variant of Uncertain Significance. Advanced modeling of protein sequence and biophysical properties (such as structural, functional, and spatial information, amino acid conservation, physicochemical variation, residue mobility, and thermodynamic stability) performed at Invitae indicates that this missense variant is expected to disrupt COL4A4 protein function. This variant has not been reported in the literature in individuals affected with COL4A4-related conditions. This variant is not present in population databases (gnomAD no frequency). This sequence change replaces glycine, which is neutral and non-polar, with alanine, which is neutral and non-polar, at codon 1239 of the COL4A4 protein (p.Gly1239Ala).

NM_000092.5(COL4A4):c.3716G>C (p.Gly1239Ala)

Gene: COL4A4 (collagen type IV alpha 4 chain; minus strand). Cytogenetic location: 2q36.3.
Variant type: single nucleotide variant.
Coding change: c.3716G>C on transcript NM_000092.5 (MANE Select); coding-DNA position 3716, G replaced by C.
Protein change: p.Gly1239Ala; replaces glycine 1239 with alanine.
Molecular consequence: missense variant.
Genome position (GRCh38, 1-based): chr2:227,032,046, C>G on the plus strand (G>C on the coding strand, the complement: COL4A4 is on the minus strand). VCF-style: chr2-227032046-C-G. GRCh37 (hg19) VCF-style: chr2-227896762-C-G.
Other names: short protein forms G1239A.
Identifiers: ClinVar variation 3009081 (VCV003009081.4), dbSNP rs1394140383, ClinGen allele CA350837689.